The following is an entry in ClinVar:

NM_003000.3(SDHB):c.647A>T (p.Tyr216Phe)

Gene: SDHB (succinate dehydrogenase complex iron sulfur subunit B; minus strand). Cytogenetic location: 1p36.13.
Variant type: single nucleotide variant.
Coding change: c.647A>T on transcript NM_003000.3 (MANE Select); coding-DNA position 647, A replaced by T.
Protein change: p.Tyr216Phe; replaces tyrosine 216 with phenylalanine.
Molecular consequence: missense variant.
Genome position (GRCh38, 1-based): chr1:17,022,726, T>A on the plus strand (A>T on the coding strand, the complement: SDHB is on the minus strand). VCF-style: chr1-17022726-T-A. GRCh37 (hg19) VCF-style: chr1-17349221-T-A.
Other names: c.593A>T, p.Tyr198Phe (NM_001407361.1); short protein forms Y198F, Y216F.
Identifiers: ClinVar variation 5029263 (VCV005029263.1).

ClinVar aggregate classification (germline): Uncertain significance (1 of 4 stars; one submission).

Conditions:
Hereditary cancer-predisposing syndrome. Also called: Neoplastic Syndromes, Hereditary; Tumor predisposition; Hereditary neoplastic syndrome; Hereditary Cancer Syndrome. Identifiers: Orphanet 140162, MedGen C0027672, MeSH D009386, MONDO:0015356.

Submission:

Ambry Genetics
Classification: Uncertain significance for Hereditary cancer-predisposing syndrome. Last evaluated: 2026-07-02. Review status: criteria provided, single submitter. Criteria: Ambry Variant Classification Scheme 2023. Collection method: clinical testing. Allele origin: germline.
Comment: The p.Y216F variant (also known as c.647A>T), located in coding exon 7 of the SDHB gene, results from an A to T substitution at nucleotide position 647. The tyrosine at codon 216 is replaced by phenylalanine, an amino acid with highly similar properties. This amino acid position is conserved. In addition, this alteration is predicted to be deleterious by in silico analysis. Based on the available evidence, the clinical significance of this variant remains unclear.